The following is an entry in ClinVar:

ClinVar aggregate classification (germline): Pathogenic (1 of 4 stars; one submission).

Conditions:
Primary ciliary dyskinesia. Also called: Ciliary dyskinesia. Identifiers: Orphanet 244, MedGen C0008780, MONDO:0016575, HP:0012265.

Submission:

Labcorp Genetics (formerly Invitae), Labcorp
Classification: Pathogenic for Primary ciliary dyskinesia. Last evaluated: 2021-06-30. Review status: criteria provided, single submitter. Criteria: Invitae Variant Classification Sherloc (09022015). Collection method: clinical testing. Allele origin: germline.
Comment: For these reasons, this variant has been classified as Pathogenic. This sequence change results in a frameshift in the DNAH11 gene (p.Ser4498Ilefs*26). While this is not anticipated to result in nonsense mediated decay, it is expected to disrupt the last 19 amino acid(s) of the DNAH11 protein and extend the protein by 6 additional amino acid residues. This variant is not present in population databases (ExAC no frequency). This variant has not been reported in the literature in individuals affected with DNAH11-related conditions. This variant disrupts a region of the DNAH11 protein in which other variant(s) (p.Trp4505Serfs*10) have been determined to be pathogenic (Invitae). This suggests that this is a clinically significant region of the protein, and that variants that disrupt it are likely to be disease-causing.

NM_001277115.2(DNAH11):c.13480_13492dup (p.Ser4498fs)

Genes: CDCA7L (cell division cycle associated 7 like; minus strand), DNAH11 (dynein axonemal heavy chain 11; plus strand). Cytogenetic location: 7p15.3.
Variant type: Duplication.
Coding change: c.13480_13492dup on transcript NM_001277115.2 (MANE Select); coding-DNA positions 13480 to 13492, 13 bases duplicated (TTCAGGCTGAAGA).
Protein change: p.Ser4498fs; shifts the reading frame from serine 4498.
Molecular consequence: frameshift variant. On other transcripts: 3 prime UTR variant (3).
Genome position (GRCh38, 1-based): chr7:21,901,183-21,901,195, TTCAGGCTGAAGA duplicated. VCF-style (leftmost placement, unchanged base first): chr7-21901182-C-CTTCAGGCTGAAGA. GRCh37 (hg19) VCF-style: chr7-21940800-C-CTTCAGGCTGAAGA.
Other names: c.*1127_*1139dup (NM_001127370.3, NM_001127371.3, NM_018719.5); short protein forms S4498fs.
Identifiers: ClinVar variation 1457437 (VCV001457437.6), dbSNP rs2128053495, ClinGen allele CA2573142028.
Genomic context (GRCh38, chr7:21,901,182, plus strand): 5'-ACAGACCTACGAGTGCCCTGTGTATAGAACCAAACTGAGAGGCCCCAGCTACATCTGGAC[C>CTTCAGGCTGAAGA]TTCAGGCTGAAGAGCGAAGAGAAGACTGCAAAATGGGTTCTGGCTGGAGTGGCTCTGCTT-3'